The following is an entry in ClinVar:

ClinVar aggregate classification (germline): Conflicting classifications of pathogenicity. Review status: criteria provided, conflicting classifications (1 of 4 stars). 9 submissions from 9 submitters: Uncertain significance (5); Likely benign (2). 2 of the submissions do not count toward it. Last evaluated 2026-03-13.

Conditions:
TTN-related disorder. Also called: TTN-related disorders; TTN-related condition; TTN-related disease.
Cardiovascular phenotype. Identifiers: MedGen CN230736.
Autosomal recessive limb-girdle muscular dystrophy type 2J (LGMDR10). Also called: Limb-girdle muscular dystrophy, type 2J; MUSCULAR DYSTROPHY, LIMB-GIRDLE, AUTOSOMAL RECESSIVE 10. Identifiers: Orphanet 140922, MedGen C1837342, MONDO:0012127, OMIM 608807.
Dilated cardiomyopathy 1G (CMD1G). Identifiers: Orphanet 154, MedGen C1858763, MONDO:0011400, OMIM 604145.

Allele frequency attached by ClinVar (database versions not stated): gnomAD 0.00003; TOPMed 0.00007.
gnomAD v4.1: 68 of 1,612,982 alleles (0.0042%); highest among the groups gnomAD compares: Non-Finnish European, 0.0054%; no homozygotes.

Submissions (9):

Women's Health and Genetics/Laboratory Corporation of America, LabCorp
Classification: Uncertain significance. Last evaluated: 2026-03-13. Review status: criteria provided, single submitter. Criteria: LabCorp Variant Classification Summary - May 2015. Collection method: clinical testing. Allele origin: germline.

PreventionGenetics, part of Exact Sciences
Classification: Uncertain significance for TTN-related condition. Last evaluated: 2025-08-20. Review status: criteria provided, single submitter. Criteria: ACMG Guidelines, 2015. Collection method: clinical testing. Allele origin: germline.
Comment: The TTN c.56171A>G variant is predicted to result in the amino acid substitution p.Lys18724Arg. To our knowledge, this variant has not been reported in the literature. This variant is reported in 0.011% of alleles in individuals of European (Non-Finnish) descent in gnomAD. At this time, the clinical significance of this variant is uncertain due to the absence of conclusive functional and genetic evidence.

Molecular Diagnostic Laboratory for Inherited Cardiovascular Disease, Montreal Heart Institute
Classification: Likely benign. Last evaluated: 2025-04-09. Review status: criteria provided, single submitter. Criteria: ACMG Guidelines, 2015. Collection method: clinical testing. Allele origin: germline. Affected: no.

Revvity Omics, Revvity
Classification: Uncertain significance. Last evaluated: 2022-03-11. Review status: criteria provided, single submitter. Criteria: ACMG Guidelines, 2015. Collection method: clinical testing. Allele origin: germline.

GeneDx
Classification: Likely benign. Last evaluated: 2018-12-21. Review status: criteria provided, single submitter. Criteria: GeneDx Variant Classification Process June 2021. Collection method: clinical testing. Allele origin: germline. Affected: yes.

Ambry Genetics
Classification: Uncertain significance for Cardiovascular phenotype. Last evaluated: 2018-09-07. Review status: criteria provided, single submitter. Criteria: Ambry Variant Classification Scheme 2023. Collection method: clinical testing. Allele origin: germline.
Comment: The p.K9659R variant (also known as c.28976A>G), located in coding exon 116 of the TTN gene, results from an A to G substitution at nucleotide position 28976. The lysine at codon 9659 is replaced by arginine, an amino acid with highly similar properties. This amino acid position is not well conserved in available vertebrate species, and arginine is the reference amino acid in other vertebrate species. In addition, this alteration is predicted to be tolerated by in silico analysis. Since supporting evidence is limited at this time, the clinical significance of this alteration remains unclear.

Labcorp Genetics (formerly Invitae), Labcorp
Classification: Uncertain significance for Dilated cardiomyopathy 1G; Autosomal recessive limb-girdle muscular dystrophy type 2J. Last evaluated: 2017-04-20. Review status: criteria provided, single submitter. Criteria: Invitae Variant Classification Sherloc (09022015). Collection method: clinical testing. Allele origin: germline.

Clinical Genetics DNA and cytogenetics Diagnostics Lab, Erasmus MC, Erasmus Medical Center
Classification: Uncertain significance. Review status: no assertion criteria provided. Collection method: clinical testing. Allele origin: germline. Affected: yes. Study: VKGL Data-share Consensus. Not counted in ClinVar's aggregate classification.

Clinical Genetics, Academic Medical Center
Classification: Uncertain significance. Review status: no assertion criteria provided. Collection method: clinical testing. Allele origin: germline. Affected: yes. Study: VKGL Data-share Consensus. Not counted in ClinVar's aggregate classification.

NM_001267550.2(TTN):c.56171A>G (p.Lys18724Arg)

Genes: TTN (titin; minus strand), TTN-AS1 (TTN antisense RNA 1; plus strand). Cytogenetic location: 2q31.2.
Variant type: single nucleotide variant.
Coding change: c.56171A>G on transcript NM_001267550.2 (MANE Select); coding-DNA position 56171, A replaced by G.
Protein change: p.Lys18724Arg; replaces lysine 18724 with arginine.
Molecular consequence: missense variant. On other transcripts: non-coding transcript variant (1).
Genome position (GRCh38, 1-based): chr2:178,599,730, T>C on the plus strand (A>G on the coding strand, the complement: TTN is on the minus strand). VCF-style: chr2-178599730-T-C. GRCh37 (hg19) VCF-style: chr2-179464457-T-C.
Other names: c.51248A>G, p.Lys17083Arg (NM_001256850.1); c.28976A>G, p.Lys9659Arg (NM_003319.4); c.48467A>G, p.Lys16156Arg (NM_133378.4); c.29351A>G, p.Lys9784Arg (NM_133432.3); c.29552A>G, p.Lys9851Arg (NM_133437.4); short protein forms K18724R, K9784R, K16156R, K9851R, K17083R, K9659R.
Identifiers: ClinVar variation 404900 (VCV000404900.16), dbSNP rs201091423, ClinGen allele CA1993298.